The following is an entry in ClinVar:

ClinVar aggregate classification (germline): Uncertain significance. Review status: criteria provided, multiple submitters, no conflicts (2 of 4 stars). 2 submissions from 2 submitters: Uncertain significance (2). Last evaluated 2023-11-02.

Conditions:
Inborn genetic diseases. Identifiers: MedGen C0950123, MeSH D030342.

Allele frequency attached by ClinVar (database versions not stated): gnomAD exomes 0.00004; ExAC 0.00015; 1000 Genomes Project 0.00020; gnomAD 0.00025; TOPMed 0.00027; 1000 Genomes Project 30x 0.00031; ESP Exome Variant Server 0.00046.
gnomAD v4.1: 91 of 1,614,186 alleles (0.0056%); highest among the groups gnomAD compares: African/African-American, 0.099%; no homozygotes.

Submissions (2):

Ambry Genetics
Classification: Uncertain significance for Inborn genetic diseases. Last evaluated: 2023-11-02. Review status: criteria provided, single submitter. Criteria: Ambry Variant Classification Scheme 2023. Collection method: clinical testing. Allele origin: germline.

GeneDx
Classification: Uncertain significance. Last evaluated: 2022-09-12. Review status: criteria provided, single submitter. Criteria: GeneDx Variant Classification Process June 2021. Collection method: clinical testing. Allele origin: germline. Affected: yes.
Comment: In silico analysis supports that this missense variant has a deleterious effect on protein structure/function; Has not been previously published as pathogenic or benign to our knowledge

NM_005559.4(LAMA1):c.1780G>A (p.Asp594Asn)

Gene: LAMA1 (laminin subunit alpha 1; minus strand). Cytogenetic location: 18p11.31.
Variant type: single nucleotide variant.
Coding change: c.1780G>A on transcript NM_005559.4 (MANE Select); coding-DNA position 1780, G replaced by A.
Protein change: p.Asp594Asn; replaces aspartic acid 594 with asparagine.
Molecular consequence: missense variant.
Genome position (GRCh38, 1-based): chr18:7,036,046, C>T on the plus strand (G>A on the coding strand, the complement: LAMA1 is on the minus strand). VCF-style: chr18-7036046-C-T. GRCh37 (hg19) VCF-style: chr18-7036045-C-T.
Other names: short protein forms D594N.
Identifiers: ClinVar variation 2443491 (VCV002443491.2), dbSNP rs143022454, ClinGen allele CA8882873.